The following is an entry in ClinVar:

ClinVar aggregate classification (germline): Uncertain significance. Review status: criteria provided, multiple submitters, no conflicts (2 of 4 stars). 5 submissions from 5 submitters: Uncertain significance (5). Last evaluated 2026-02-01.

Conditions:
Hereditary cancer-predisposing syndrome. Also called: Tumor predisposition; Hereditary neoplastic syndrome; Neoplastic Syndromes, Hereditary; Hereditary Cancer Syndrome. Identifiers: Orphanet 140162, MedGen C0027672, MeSH D009386, MONDO:0015356.
Endometrial carcinoma. Also called: Endometrial carcinoma, somatic. Identifiers: MedGen C0476089, MONDO:0002447, OMIM 608089, HP:0012114.

Allele frequency attached by ClinVar (database versions not stated): gnomAD exomes below 0.00001 and 0.00001.
gnomAD v4.1: 22 of 1,613,416 alleles (0.0014%); highest among the groups gnomAD compares: Non-Finnish European, 0.0018%; no homozygotes.

Submissions (5):

Labcorp Genetics (formerly Invitae), Labcorp
Classification: Uncertain significance. Last evaluated: 2026-02-01. Review status: criteria provided, single submitter. Criteria: Invitae Variant Classification Sherloc (09022015). Collection method: clinical testing. Allele origin: germline.
Comment: This sequence change replaces tyrosine, which is neutral and polar, with cysteine, which is neutral and slightly polar, at codon 1021 of the MSH3 protein (p.Tyr1021Cys). This variant is not present in population databases (gnomAD no frequency). This variant has not been reported in the literature in individuals affected with MSH3-related conditions. ClinVar contains an entry for this variant (Variation ID: 858170). An algorithm developed to predict the effect of missense changes on protein structure and function (PolyPhen-2) suggests that this variant is likely to be disruptive. In summary, the available evidence is currently insufficient to determine the role of this variant in disease. Therefore, it has been classified as a Variant of Uncertain Significance.

Ambry Genetics
Classification: Uncertain significance for Hereditary cancer-predisposing syndrome. Last evaluated: 2025-01-14. Review status: criteria provided, single submitter. Criteria: Ambry Variant Classification Scheme 2023. Collection method: clinical testing. Allele origin: germline.
Comment: The p.Y1021C variant (also known as c.3062A>G), located in coding exon 22 of the MSH3 gene, results from an A to G substitution at nucleotide position 3062. The tyrosine at codon 1021 is replaced by cysteine, an amino acid with highly dissimilar properties. This amino acid position is highly conserved in available vertebrate species. In addition, this alteration is predicted to be deleterious by in silico analysis. Based on the available evidence, the clinical significance of this variant remains unclear.

Quest Diagnostics Nichols Institute San Juan Capistrano
Classification: Uncertain significance. Last evaluated: 2024-11-20. Review status: criteria provided, single submitter. Criteria: Quest Diagnostics criteria. Collection method: clinical testing. Allele origin: unknown.
Comment: The MSH3 c.3062A>G (p.Tyr1021Cys) variant has not been reported in individuals with MSH3-related conditions in the published literature. The frequency of this variant in the general population, 0.000004 (1/251136 chromosomes (Genome Aggregation Database)), is uninformative in the assessment of its pathogenicity. Analysis of this variant using bioinformatics tools for the prediction of the effect of amino acid changes on protein structure and function yielded conflicting predictions that this variant is benign or damaging. Based on the available information, we are unable to determine the clinical significance of this variant.

Baylor Genetics
Classification: Uncertain significance for Endometrial carcinoma. Last evaluated: 2023-12-18. Review status: criteria provided, single submitter. Criteria: ACMG Guidelines, 2015. Collection method: clinical testing. Allele origin: unknown.

GeneDx
Classification: Uncertain significance. Last evaluated: 2022-05-10. Review status: criteria provided, single submitter. Criteria: GeneDx Variant Classification Process June 2021. Collection method: clinical testing. Allele origin: germline. Affected: yes.
Comment: Not observed at significant frequency in large population cohorts (gnomAD); In silico analysis supports that this missense variant has a deleterious effect on protein structure/function; Has not been previously published as pathogenic or benign to our knowledge

NM_002439.5(MSH3):c.3062A>G (p.Tyr1021Cys)

Gene: MSH3 (mutS homolog 3; plus strand). Cytogenetic location: 5q14.1.
Variant type: single nucleotide variant.
Coding change: c.3062A>G on transcript NM_002439.5 (MANE Select); coding-DNA position 3062, A replaced by G.
Protein change: p.Tyr1021Cys; replaces tyrosine 1021 with cysteine.
Molecular consequence: missense variant.
Genome position (GRCh38, 1-based): chr5:80,864,874, A>G. VCF-style: chr5-80864874-A-G. GRCh37 (hg19) VCF-style: chr5-80160693-A-G.
Other names: short protein forms Y1021C.
Identifiers: ClinVar variation 858170 (VCV000858170.16), dbSNP rs1561503554, ClinGen allele CA360346273.